The following is an entry in ClinVar:

NM_001378454.1(ALMS1):c.5172G>C (p.Gln1724His)

Gene: ALMS1 (ALMS1 centrosome and basal body associated protein; plus strand). Cytogenetic location: 2p13.1.
Variant type: single nucleotide variant.
Coding change: c.5172G>C on transcript NM_001378454.1 (MANE Select); coding-DNA position 5172, G replaced by C.
Protein change: p.Gln1724His; replaces glutamine 1724 with histidine.
Molecular consequence: missense variant.
Genome position (GRCh38, 1-based): chr2:73,451,699, G>C. VCF-style: chr2-73451699-G-C. GRCh37 (hg19) VCF-style: chr2-73678826-G-C.
Other names: c.5175G>C, p.Gln1725His (NM_015120.4); short protein forms Q1725H, Q1724H.
Identifiers: ClinVar variation 849474 (VCV000849474.9), dbSNP rs1402153419, ClinGen allele CA347280249.

ClinVar aggregate classification (germline): Uncertain significance. Review status: criteria provided, single submitter (1 of 4 stars). 2 submissions from 2 submitters: Uncertain significance (1). 1 of the submissions does not count toward it. Last evaluated 2021-12-09.

Conditions:
Alstrom syndrome (ALMS). Identifiers: Orphanet 64, MedGen C0268425, MONDO:0008763, OMIM 203800.

Allele frequency attached by ClinVar (database versions not stated): gnomAD exomes below 0.00001; gnomAD 0.00001; TOPMed 0.00001.
gnomAD v4.1: 9 of 1,613,346 alleles (0.00056%); highest among the groups gnomAD compares: Non-Finnish European, 0.00076%; no homozygotes.

Submissions (2):

Labcorp Genetics (formerly Invitae), Labcorp
Classification: Uncertain significance for Alstrom syndrome. Last evaluated: 2021-12-09. Review status: criteria provided, single submitter. Criteria: Invitae Variant Classification Sherloc (09022015). Collection method: clinical testing. Allele origin: germline.
Comment: This sequence change replaces glutamine, which is neutral and polar, with histidine, which is basic and polar, at codon 1725 of the ALMS1 protein (p.Gln1725His). This variant is not present in population databases (gnomAD no frequency). This variant has not been reported in the literature in individuals affected with ALMS1-related conditions. ClinVar contains an entry for this variant (Variation ID: 849474). Experimental studies and prediction algorithms are not available or were not evaluated, and the functional significance of this variant is currently unknown. In summary, the available evidence is currently insufficient to determine the role of this variant in disease. Therefore, it has been classified as a Variant of Uncertain Significance.

Natera, Inc.
Classification: Uncertain significance for Alstrom syndrome. Last evaluated: 2020-08-25. Review status: no assertion criteria provided. Collection method: clinical testing. Allele origin: germline. Not counted in ClinVar's aggregate classification.